The following is an entry in ClinVar:

NM_181806.4(AASDH):c.181A>G (p.Ile61Val)

Gene: AASDH (aminoadipate-semialdehyde dehydrogenase; minus strand). Cytogenetic location: 4q12.
Variant type: single nucleotide variant.
Coding change: c.181A>G on transcript NM_181806.4 (MANE Select); coding-DNA position 181, A replaced by G.
Protein change: p.Ile61Val; replaces isoleucine 61 with valine.
Molecular consequence: missense variant. On other transcripts: 5 prime UTR variant (4), intron variant (1).
Genome position (GRCh38, 1-based): chr4:56,384,119, T>C on the plus strand (A>G on the coding strand, the complement: AASDH is on the minus strand). VCF-style: chr4-56384119-T-C. GRCh37 (hg19) VCF-style: chr4-57250285-T-C.
Other names: c.-158A>G (NM_001286669.2, NM_001323893.2); c.-678A>G (NM_001286670.2); c.181A>G, p.Ile61Val (NM_001286671.2, NM_001286672.2, NM_001323890.2 and 1 more transcripts); c.-844A>G (NM_001323899.2); c.-70-1522A>G (NM_001286668.2); short protein forms I61V.
Identifiers: ClinVar variation 1270670 (VCV001270670.2), dbSNP rs34543011, ClinGen allele CA2930174.
Genomic context (GRCh38, chr4:56,384,119, plus strand): 5'-AAAAATATTACCCTAAAATCCAAGAGGGTAAGTCTATCCCAGGTTGGCAGTAGAGACCAA[T>C]TTCCCGAATTCCTTGAAAGTCACAGTGTAACAGCAGAAAATTTGATAATTCAGAAGCAGC-3'
Protein context (NP_861522.2, residues 51-71): LHCDFQGIRE[Ile61Val]GLYCQPGIDL

ClinVar aggregate classification (germline): Benign. Review status: criteria provided, multiple submitters, no conflicts (2 of 4 stars). 2 submissions from 2 submitters: Benign (2). Last evaluated 2019-01-09.

Allele frequency attached by ClinVar (database versions not stated): ESP Exome Variant Server 0.01822; gnomAD 0.02275 and 0.02652; TOPMed 0.02612; 1000 Genomes Project 30x 0.06168; 1000 Genomes Project 0.06470.
gnomAD v4.1: 47,942 of 1,614,092 alleles (3%); highest among the groups gnomAD compares: East Asian, 22%; 1,716 homozygotes.

Submissions (2):

GeneDx
Classification: Benign. Last evaluated: 2019-01-09. Review status: criteria provided, single submitter. Criteria: GeneDx Variant Classification Process June 2021. Collection method: clinical testing. Allele origin: germline. Affected: yes.
Comment: This variant is associated with the following publications: (PMID: 29362361)

Breakthrough Genomics
Classification: Benign. Review status: criteria provided, single submitter. Criteria: ACMG Guidelines, 2015. Collection method: not provided. Allele origin: germline. Inheritance: Unknown mechanism. Affected: yes.